The following is an entry in ClinVar:

ClinVar aggregate classification (germline): Benign. Review status: criteria provided, multiple submitters, no conflicts (2 of 4 stars). 2 submissions from 2 submitters: Benign (2). Last evaluated 2018-01-13.

Conditions:
Congenital myasthenic syndrome 12 (CMS12). Also called: MYASTHENIC SYNDROME, CONGENITAL, WITH TUBULAR AGGREGATES 1; Myasthenia, congenital, 12, with tubular aggregates. Identifiers: Orphanet 353327, Orphanet 590, MedGen C3552335, MONDO:0012518, OMIM 610542.

Allele frequency attached by ClinVar (database versions not stated): 1000 Genomes Project 0.63818; 1000 Genomes Project 30x 0.64475; gnomAD 0.64576 and 0.65228; TOPMed 0.65165.

Submissions (2):

Illumina Laboratory Services, Illumina
Classification: Benign for Congenital myasthenic syndrome 12. Last evaluated: 2018-01-13. Review status: criteria provided, single submitter. Criteria: ICSL Variant Classification Criteria 13 December 2019. Collection method: clinical testing. Allele origin: germline.
Comment: This variant was observed in the ICSL laboratory as part of a predisposition screen in an ostensibly healthy population. It had not been previously curated by ICSL or reported in the Human Gene Mutation Database (HGMD: prior to June 1st, 2018), and was therefore a candidate for classification through an automated scoring system. Utilizing variant allele frequency, disease prevalence and penetrance estimates, and inheritance mode, an automated score was calculated to assess if this variant is too frequent to cause the disease. Based on the score and internal cut-off values, a variant classified as benign is not then subjected to further curation. The score for this variant resulted in a classification of benign for this disease.

Breakthrough Genomics
Classification: Benign. Review status: criteria provided, single submitter. Criteria: ACMG Guidelines, 2015. Collection method: not provided. Allele origin: germline. Inheritance: Autosomal recessive inheritance. Affected: yes.

NM_001244710.2(GFPT1):c.*800G>T

Gene: GFPT1 (glutamine--fructose-6-phosphate transaminase 1; minus strand). Cytogenetic location: 2p13.3.
Variant type: single nucleotide variant.
Coding change: c.*800G>T on transcript NM_001244710.2 (MANE Select); 800 bases downstream of the stop codon, G replaced by T.
Molecular consequence: 3 prime UTR variant.
Genome position (GRCh38, 1-based): chr2:69,325,389, C>A on the plus strand (G>T on the coding strand, the complement: GFPT1 is on the minus strand). VCF-style: chr2-69325389-C-A. GRCh37 (hg19) VCF-style: chr2-69552521-C-A.
Other names: c.*800G>T (NM_002056.4).
Identifiers: ClinVar variation 336859 (VCV000336859.6), dbSNP rs2667, ClinGen allele CA10614306.
Genomic context (GRCh38, chr2:69,325,389, plus strand): 5'-AAATATGTCATTCAGCAGTCATTTAAAAAATAAAAGACTACAGATACAAGGAAATAAAAA[C>A]CACTTTTAGGAGATGAAAACACAAAGTAGTAGGATACCCAACATGTACACATCCCATCTT-3'